The following is an entry in ClinVar:

ClinVar aggregate classification (germline): Uncertain significance. Review status: criteria provided, multiple submitters, no conflicts (2 of 4 stars). 5 submissions from 5 submitters: Uncertain significance (5). Last evaluated 2025-05-14.

Conditions:
Malignant hyperthermia, susceptibility to, 1 (MHS1). Also called: Malignant hyperthermia suceptibility 1; Anesthesia related hyperthermia; Malignant hyperpyrexia; Fulminating hyperpyrexia; Pharmacogenic myopathy; RYR1-Related Malignant Hyperthermia Susceptibility. Identifiers: Orphanet 423, MedGen C2930980, MONDO:0007783, OMIM 145600.
RYR1-related disorder. Also called: RYR1-related condition; RYR1-related disorders. Identifiers: MedGen CN239331.
Inborn genetic diseases. Identifiers: MedGen C0950123, MeSH D030342.

Allele frequency attached by ClinVar (database versions not stated): gnomAD 0.00001; ExAC 0.00002; gnomAD exomes 0.00002; TOPMed 0.00002; 1000 Genomes Project 30x 0.00016; 1000 Genomes Project 0.00020.
gnomAD v4.1: 11 of 1,613,902 alleles (0.00068%); highest among the groups gnomAD compares: Admixed American, 0.0067%; no homozygotes.

Submissions (5):

Labcorp Genetics (formerly Invitae), Labcorp
Classification: Uncertain significance for RYR1-related disorder. Last evaluated: 2025-05-14. Review status: criteria provided, single submitter. Criteria: Invitae Variant Classification Sherloc (09022015). Collection method: clinical testing. Allele origin: germline.
Comment: This sequence change replaces valine, which is neutral and non-polar, with methionine, which is neutral and non-polar, at codon 2495 of the RYR1 protein (p.Val2495Met). This variant is present in population databases (rs200291321, gnomAD 0.009%). This variant has not been reported in the literature in individuals affected with RYR1-related conditions. ClinVar contains an entry for this variant (Variation ID: 444466). Invitae Evidence Modeling of protein sequence and biophysical properties (such as structural, functional, and spatial information, amino acid conservation, physicochemical variation, residue mobility, and thermodynamic stability) has been performed for this missense variant. However, the output from this modeling did not meet the statistical confidence thresholds required to predict the impact of this variant on RYR1 protein function. In summary, the available evidence is currently insufficient to determine the role of this variant in disease. Therefore, it has been classified as a Variant of Uncertain Significance.

Color Diagnostics, LLC DBA Color Health
Classification: Uncertain significance for Malignant hyperthermia, susceptibility to, 1. Last evaluated: 2024-03-06. Review status: criteria provided, single submitter. Criteria: ACMG Guidelines, 2015. Collection method: clinical testing. Allele origin: germline.
Comment: This missense variant replaces valine with methionine at codon 2495 of the RYR1 protein. Computational prediction is inconclusive regarding the impact of this variant on protein structure and function. To our knowledge, functional studies have not been reported for this variant. This variant has not been reported in individuals affected with RYR1-related disorders in the literature. This variant has been identified in 5/251340 chromosomes in the general population by the Genome Aggregation Database (gnomAD). The available evidence is insufficient to determine the role of this variant in disease conclusively. Therefore, this variant is classified as a Variant of Uncertain Significance.

Ambry Genetics
Classification: Uncertain significance for Inborn genetic diseases. Last evaluated: 2023-05-22. Review status: criteria provided, single submitter. Criteria: Ambry Variant Classification Scheme 2023. Collection method: clinical testing. Allele origin: germline.

GeneDx
Classification: Uncertain significance. Last evaluated: 2021-05-03. Review status: criteria provided, single submitter. Criteria: GeneDx Variant Classification Process June 2021. Collection method: clinical testing. Allele origin: germline. Affected: yes.
Comment: Not observed at a significant frequency in large population cohorts (Lek et al., 2016); In silico analysis supports that this missense variant does not alter protein structure/function; Has not been previously published as pathogenic or benign to our knowledge

CeGaT Center for Human Genetics Tuebingen
Classification: Uncertain significance. Last evaluated: 2017-06-01. Review status: criteria provided, single submitter. Criteria: CeGaT Center For Human Genetics Tuebingen Variant Classification Criteria Version 2. Collection method: clinical testing. Allele origin: germline. Affected: yes. Observed: 1 variant allele.

NM_000540.3(RYR1):c.7483G>A (p.Val2495Met)

Gene: RYR1 (ryanodine receptor 1; plus strand). Cytogenetic location: 19q13.2.
Variant type: single nucleotide variant.
Coding change: c.7483G>A on transcript NM_000540.3 (MANE Select); coding-DNA position 7483, G replaced by A.
Protein change: p.Val2495Met; replaces valine 2495 with methionine.
Molecular consequence: missense variant.
Genome position (GRCh38, 1-based): chr19:38,500,859, G>A. VCF-style: chr19-38500859-G-A. GRCh37 (hg19) VCF-style: chr19-38991499-G-A.
Other names: c.7483G>A, p.Val2495Met (NM_001042723.2); short protein forms V2495M.
Identifiers: ClinVar variation 444466 (VCV000444466.53), dbSNP rs200291321, ClinGen allele CA082467.